The following is an entry in ClinVar:

ClinVar aggregate classification (germline): Uncertain significance (1 of 4 stars; one submission).

gnomAD v4.1: 1 of 1,614,016 alleles (0.000062%); highest among the groups gnomAD compares: South Asian, 0.0011%; no homozygotes.

Submission:

Women's Health and Genetics/Laboratory Corporation of America, LabCorp
Classification: Uncertain significance. Last evaluated: 2023-03-02. Review status: criteria provided, single submitter. Criteria: LabCorp Variant Classification Summary - May 2015. Collection method: clinical testing. Allele origin: germline.
Comment: Variant summary: RAI1 c.4853G>A (p.Gly1618Glu) results in a non-conservative amino acid change in the encoded protein sequence. Three of five in-silico tools predict a benign effect of the variant on protein function. The variant was absent in 251268 control chromosomes. The available data on variant occurrences in the general population are insufficient to allow any conclusion about variant significance. To our knowledge, no occurrence of c.4853G>A in individuals affected with Smith-Magenis Syndrome and no experimental evidence demonstrating its impact on protein function have been reported. No clinical diagnostic laboratories have submitted clinical-significance assessments for this variant to ClinVar after 2014. Based on the evidence outlined above, the variant was classified as uncertain significance.

NM_030665.4(RAI1):c.4853G>A (p.Gly1618Glu)

Gene: RAI1 (retinoic acid induced 1; plus strand). Cytogenetic location: 17p11.2.
Variant type: single nucleotide variant.
Coding change: c.4853G>A on transcript NM_030665.4 (MANE Select); coding-DNA position 4853, G replaced by A.
Protein change: p.Gly1618Glu; replaces glycine 1618 with glutamic acid.
Molecular consequence: missense variant.
Genome position (GRCh38, 1-based): chr17:17,797,801, G>A. VCF-style: chr17-17797801-G-A. GRCh37 (hg19) VCF-style: chr17-17701115-G-A.
Other names: short protein forms G1618E.
Identifiers: ClinVar variation 2501264 (VCV002501264.1), dbSNP rs2543622770, ClinGen allele CA398557752.